The following is an entry in ClinVar:

ClinVar aggregate classification (germline): Likely benign. Review status: criteria provided, multiple submitters, no conflicts (2 of 4 stars). 2 submissions from 2 submitters: Likely benign (2). Last evaluated 2024-08-01.

Allele frequency attached by ClinVar (database versions not stated): gnomAD exomes below 0.00001; ExAC 0.00001.
gnomAD v4.1: 2 of 1,614,036 alleles (0.00012%); highest among the groups gnomAD compares: South Asian, 0.0011%; no homozygotes.

Submissions (2):

CeGaT Center for Human Genetics Tuebingen
Classification: Likely benign. Last evaluated: 2024-08-01. Review status: criteria provided, single submitter. Criteria: CeGaT Center For Human Genetics Tuebingen Variant Classification Criteria Version 2. Collection method: clinical testing. Allele origin: germline. Affected: yes. Observed: 1 variant allele.
Comment: PCNT: BP4, BP7

Labcorp Genetics (formerly Invitae), Labcorp
Classification: Likely benign. Last evaluated: 2023-03-10. Review status: criteria provided, single submitter. Criteria: Invitae Variant Classification Sherloc (09022015). Collection method: clinical testing. Allele origin: germline.

NM_006031.6(PCNT):c.6369A>G (p.Ser2123=)

Gene: PCNT (pericentrin; plus strand). Cytogenetic location: 21q22.3.
Variant type: single nucleotide variant.
Coding change: c.6369A>G on transcript NM_006031.6 (MANE Select); coding-DNA position 6369, A replaced by G.
Protein change: p.Ser2123=; no amino-acid change (serine 2123 retained).
Molecular consequence: synonymous variant.
Genome position (GRCh38, 1-based): chr21:46,416,287, A>G. VCF-style: chr21-46416287-A-G. GRCh37 (hg19) VCF-style: chr21-47836201-A-G.
Other names: c.6015A>G, p.Ser2005= (NM_001315529.2).
Identifiers: ClinVar variation 3006469 (VCV003006469.19), dbSNP rs753480366, ClinGen allele CA10080315.